The following is an entry in ClinVar:

ClinVar aggregate classification (germline): Pathogenic (1 of 4 stars; one submission).

Submission:

Labcorp Genetics (formerly Invitae), Labcorp
Classification: Pathogenic. Last evaluated: 2024-02-17. Review status: criteria provided, single submitter. Criteria: Invitae Variant Classification Sherloc (09022015). Collection method: clinical testing. Allele origin: germline.
Comment: This sequence change creates a premature translational stop signal (p.Tyr177*) in the ROR2 gene. It is expected to result in an absent or disrupted protein product. Loss-of-function variants in ROR2 are known to be pathogenic (PMID: 10932186). This variant is not present in population databases (gnomAD no frequency). This variant has not been reported in the literature in individuals affected with ROR2-related conditions. For these reasons, this variant has been classified as Pathogenic.

Literature cited by the submitters: PubMed 10932186.

NM_004560.4(ROR2):c.531C>G (p.Tyr177Ter)

Gene: ROR2 (receptor tyrosine kinase like orphan receptor 2; minus strand). Cytogenetic location: 9q22.31.
Variant type: single nucleotide variant.
Coding change: c.531C>G on transcript NM_004560.4 (MANE Select); coding-DNA position 531, C replaced by G.
Protein change: p.Tyr177Ter; replaces tyrosine 177 with a stop codon.
Molecular consequence: nonsense.
Genome position (GRCh38, 1-based): chr9:91,737,482, G>C on the plus strand (C>G on the coding strand, the complement: ROR2 is on the minus strand). VCF-style: chr9-91737482-G-C. GRCh37 (hg19) VCF-style: chr9-94499764-G-C.
Other names: c.531C>G, p.Tyr177Ter (NM_001318204.2); short protein forms Y177*.
Identifiers: ClinVar variation 3641516 (VCV003641516.2).